The following is an entry in ClinVar:

ClinVar aggregate classification (germline): Uncertain significance (1 of 4 stars; one submission).

Conditions:
Duchenne muscular dystrophy (DMD). Also called: Duchenne Muscular Dystrophy (DMD); MUSCULAR DYSTROPHY, PSEUDOHYPERTROPHIC PROGRESSIVE, DUCHENNE TYPE. Identifiers: Orphanet 98896, MedGen C0013264, MONDO:0010679, OMIM 310200.

Submission:

Labcorp Genetics (formerly Invitae), Labcorp
Classification: Uncertain significance for Duchenne muscular dystrophy. Last evaluated: 2025-04-20. Review status: criteria provided, single submitter. Criteria: Invitae Variant Classification Sherloc (09022015). Collection method: clinical testing. Allele origin: germline.
Comment: This sequence change replaces lysine, which is basic and polar, with arginine, which is basic and polar, at codon 776 of the DMD protein (p.Lys776Arg). This variant is not present in population databases (gnomAD no frequency). This variant has not been reported in the literature in individuals affected with DMD-related conditions. Invitae Evidence Modeling of protein sequence and biophysical properties (such as structural, functional, and spatial information, amino acid conservation, physicochemical variation, residue mobility, and thermodynamic stability) indicates that this missense variant is not expected to disrupt DMD protein function with a negative predictive value of 95%. In summary, the available evidence is currently insufficient to determine the role of this variant in disease. Therefore, it has been classified as a Variant of Uncertain Significance.

NM_004006.3(DMD):c.2327A>G (p.Lys776Arg)

Gene: DMD (dystrophin; minus strand). Cytogenetic location: Xp21.1.
Variant type: single nucleotide variant.
Coding change: c.2327A>G on transcript NM_004006.3 (MANE Select); coding-DNA position 2327, A replaced by G.
Protein change: p.Lys776Arg; replaces lysine 776 with arginine.
Molecular consequence: missense variant.
Genome position (GRCh38, 1-based): chrX:32,501,808, T>C on the plus strand (A>G on the coding strand, the complement: DMD is on the minus strand). VCF-style: chrX-32501808-T-C. GRCh37 (hg19) VCF-style: chrX-32519925-T-C.
Other names: c.2303A>G, p.Lys768Arg (NM_000109.4); c.2315A>G, p.Lys772Arg (NM_004009.3); c.1958A>G, p.Lys653Arg (NM_004010.3); short protein forms K653R, K768R, K772R, K776R.
Identifiers: ClinVar variation 4800978 (VCV004800978.1).